The following is an entry in ClinVar:

ClinVar aggregate classification (germline): Benign (1 of 4 stars; one submission).

Allele frequency attached by ClinVar (database versions not stated): gnomAD 0.53449 and 0.53855; TOPMed 0.54552; 1000 Genomes Project 0.59345; 1000 Genomes Project 30x 0.59744.
gnomAD v4.1: 80,999 of 151,972 alleles (53%); highest among the groups gnomAD compares: African/African-American, 86%; 24,851 homozygotes.

Submission:

GeneDx
Classification: Benign. Last evaluated: 2019-06-14. Review status: criteria provided, single submitter. Criteria: GeneDx Variant Classification Process June 2021. Collection method: clinical testing. Allele origin: germline. Affected: yes.
Comment: This variant is associated with the following publications: (PMID: 16315267)

NM_001146156.2(GSK3B):c.609-157T>C

Gene: GSK3B (glycogen synthase kinase 3 beta; minus strand). Cytogenetic location: 3q13.33.
Variant type: single nucleotide variant.
Coding change: c.609-157T>C on transcript NM_001146156.2 (MANE Select); 157 bases into the intron before coding-DNA position 609, T replaced by C.
Molecular consequence: intron variant.
Genome position (GRCh38, 1-based): chr3:119,912,967, A>G on the plus strand (T>C on the coding strand, the complement: GSK3B is on the minus strand). VCF-style: chr3-119912967-A-G. GRCh37 (hg19) VCF-style: chr3-119631814-A-G.
Other names: c.609-157T>C (NM_001354596.2, NM_002093.4).
Identifiers: ClinVar variation 1283977 (VCV001283977.1), dbSNP rs6438552, ClinGen allele CA11557022.